The following is an entry in ClinVar:

NM_024334.3(TMEM43):c.719G>C (p.Arg240Pro)

Gene: TMEM43 (transmembrane protein 43; plus strand). Cytogenetic location: 3p25.1.
Variant type: single nucleotide variant.
Coding change: c.719G>C on transcript NM_024334.3 (MANE Select); coding-DNA position 719, G replaced by C.
Protein change: p.Arg240Pro; replaces arginine 240 with proline.
Molecular consequence: missense variant. On other transcripts: intron variant (1).
Genome position (GRCh38, 1-based): chr3:14,135,171, G>C. VCF-style: chr3-14135171-G-C. GRCh37 (hg19) VCF-style: chr3-14176671-G-C.
Other names: c.722G>C, p.Arg241Pro (NM_001407274.1); c.719G>C, p.Arg240Pro (NM_001407275.1, NM_001407276.1, NM_001407277.1); c.704G>C, p.Arg235Pro (NM_001407278.1); c.569G>C, p.Arg190Pro (NM_001407280.1); c.705+280G>C (NM_001407279.1); short protein forms R190P, R235P, R240P, R241P.
Identifiers: ClinVar variation 3072018 (VCV003072018.2), dbSNP rs758817244, ClinGen allele CA055160.

ClinVar aggregate classification (germline): Uncertain significance. Review status: criteria provided, multiple submitters, no conflicts (2 of 4 stars). 2 submissions from 2 submitters: Uncertain significance (2). Last evaluated 2026-03-27.

Conditions:
Arrhythmogenic right ventricular dysplasia 5. Also called: Arrhythmogenic Right Ventricular Dysplasia/Cardiomyopathy 5; ARRHYTHMOGENIC RIGHT VENTRICULAR DYSPLASIA, FAMILIAL, 5. Identifiers: MedGen C1858379, MONDO:0011459, OMIM 604400.

gnomAD v4.1: 2 of 1,612,342 alleles (0.00012%); highest among the groups gnomAD compares: Non-Finnish European, 0.00017%; no homozygotes.

Submissions (2):

Women's Health and Genetics/Laboratory Corporation of America, LabCorp
Classification: Uncertain significance. Last evaluated: 2026-03-27. Review status: criteria provided, single submitter. Criteria: LabCorp Variant Classification Summary - May 2015. Collection method: clinical testing. Allele origin: germline.

All of Us Research Program, National Institutes of Health
Classification: Uncertain significance for Arrhythmogenic right ventricular dysplasia 5. Last evaluated: 2023-06-26. Review status: criteria provided, single submitter. Criteria: ACMG Guidelines, 2015. Collection method: clinical testing. Allele origin: germline. Inheritance: Autosomal dominant inheritance. Observed: 1 variant allele, 1 heterozygote.
Comment: This missense variant replaces arginine with proline at codon 240 of the TMEM43 protein. Computational prediction suggests that this variant may have deleterious impact on protein structure and function (internally defined REVEL score threshold >= 0.7, PMID: 27666373). To our knowledge, functional studies have not been reported for this variant. This variant has not been reported in individuals affected with TMEM43-related disorders in the literature. This variant has not been identified in the general population by the Genome Aggregation Database (gnomAD). The available evidence is insufficient to determine the role of this variant in disease conclusively. Therefore, this variant is classified as a Variant of Uncertain Significance.

This study involves interpretation of variants in research participants for the purpose of population health screening. Participant phenotype was not available at the time of variant classification. Additional details can be found in publication PMID: 35346344, PMCID: PMC8962531